The following is an entry in ClinVar:

NC_000005.9:g.(?_13899162)_(13901374_?)del

Gene: DNAH5 (dynein axonemal heavy chain 5; minus strand). Cytogenetic location: 5p15.2.
Variant type: Deletion.
Identifiers: ClinVar variation 2424140 (VCV002424140.12).

ClinVar aggregate classification (germline): Pathogenic (1 of 4 stars; one submission).

Conditions:
Primary ciliary dyskinesia. Also called: Ciliary dyskinesia. Identifiers: Orphanet 244, MedGen C0008780, MONDO:0016575, HP:0012265.

Submission:

Labcorp Genetics (formerly Invitae), Labcorp
Classification: Pathogenic for Primary ciliary dyskinesia. Last evaluated: 2024-01-04. Review status: criteria provided, single submitter. Criteria: Invitae Variant Classification Sherloc (09022015). Collection method: clinical testing. Allele origin: germline.
Comment: This variant results in the deletion of exon 15 and part of exon 14 (c.2039_2259+1153del) of the DNAH5 gene. It is expected to disrupt RNA splicing. Variants that disrupt the donor or acceptor splice site typically lead to a loss of protein function (PMID: 16199547), and loss-of-function variants in DNAH5 are known to be pathogenic (PMID: 11788826, 16627867). This variant has been observed in individual(s) with clinical features of primary ciliary dyskinesia (Invitae). In at least one individual the data is consistent with being in trans (on the opposite chromosome) from a pathogenic variant. For these reasons, this variant has been classified as Pathogenic.

Literature cited by the submitters: PubMed 16199547; PubMed 11788826; PubMed 16627867.